The following is an entry in ClinVar:

NM_001037335.2(HELZ2):c.6067C>T (p.Arg2023Cys)

Gene: HELZ2 (helicase with zinc finger 2; minus strand). Cytogenetic location: 20q13.33.
Variant type: single nucleotide variant.
Coding change: c.6067C>T on transcript NM_001037335.2 (MANE Select); coding-DNA position 6067, C replaced by T.
Protein change: p.Arg2023Cys; replaces arginine 2023 with cysteine.
Molecular consequence: missense variant.
Genome position (GRCh38, 1-based): chr20:63,562,755, G>A on the plus strand (C>T on the coding strand, the complement: HELZ2 is on the minus strand). VCF-style: chr20-63562755-G-A. GRCh37 (hg19) VCF-style: chr20-62194108-G-A.
Other names: c.4360C>T, p.Arg1454Cys (NM_033405.3); short protein forms R1454C, R2023C.
Identifiers: ClinVar variation 2652551 (VCV002652551.25), dbSNP rs767255996, ClinGen allele CA9961622.

ClinVar aggregate classification (germline): Conflicting classifications of pathogenicity. Review status: criteria provided, conflicting classifications (1 of 4 stars). 2 submissions from 2 submitters: Uncertain significance (1); Likely benign (1). Last evaluated 2024-10-01.

Allele frequency attached by ClinVar (database versions not stated): ExAC 0.00001; gnomAD exomes 0.00001; TOPMed 0.00011; gnomAD 0.00013.
gnomAD v4.1: 36 of 1,603,702 alleles (0.0022%); highest among the groups gnomAD compares: Admixed American, 0.05%; no homozygotes.

Submissions (2):

Ambry Genetics
Classification: Uncertain significance. Last evaluated: 2024-10-01. Review status: criteria provided, single submitter. Criteria: Ambry Variant Classification Scheme 2023. Collection method: clinical testing. Allele origin: germline.

CeGaT Center for Human Genetics Tuebingen
Classification: Likely benign. Last evaluated: 2022-04-01. Review status: criteria provided, single submitter. Criteria: CeGaT Center For Human Genetics Tuebingen Variant Classification Criteria Version 2. Collection method: clinical testing. Allele origin: germline. Affected: yes. Observed: 1 variant allele.
Comment: HELZ2: BP4